The following is an entry in ClinVar:

ClinVar aggregate classification (germline): Pathogenic. Review status: criteria provided, multiple submitters, no conflicts (2 of 4 stars). 3 submissions from 2 submitters: Pathogenic (3). Last evaluated 2023-05-02.
ClinVar aggregate classification (oncogenicity): Likely oncogenic (1 of 4 stars; one submission).

Conditions:
Colorectal cancer. Also called: Colorectal cancer, somatic; Malignant Colorectal Neoplasm. Identifiers: MedGen C0346629, MONDO:0005575, OMIM 114500.
Familial adenomatous polyposis 1 (FAP1). Also called: FAMILIAL ADENOMATOUS POLYPOSIS 1, ATTENUATED; POLYPOSIS, ADENOMATOUS INTESTINAL. Identifiers: MedGen C2713442, MONDO:0021056, OMIM 175100. Disease mechanism: loss of function.
Neoplasm. Also called: tumor; Neoplasms; Neoplasm (disease). Identifiers: MedGen C0027651, MeSH D009369, MONDO:0005070, HP:0002664.

Submissions (4):

Center for Genomic Medicine, Rigshospitalet, Copenhagen University Hospital
Classification: Likely oncogenic for Neoplasm. Last evaluated: 2026-10-16. Review status: criteria provided, single submitter. Criteria: ClinGen/CGC/VICC Guidelines for Oncogenicity, 2022. Collection method: clinical testing. Allele origin: somatic. Affected: yes.

Myriad Genetics, Inc.
Classification: Pathogenic for Familial adenomatous polyposis 1. Last evaluated: 2023-05-02. Review status: criteria provided, single submitter. Criteria: Myriad Autosomal Dominant, Autosomal Recessive and X-Linked Classification Criteria (2023). Collection method: clinical testing. Allele origin: unknown.
Comment: This variant is considered pathogenic. This variant creates a termination codon and is predicted to result in premature protein truncation.

Institute of Human Genetics, University of Leipzig Medical Center
Classification: Pathogenic for Familial adenomatous polyposis 1. Last evaluated: 2019-08-07. Review status: criteria provided, single submitter. Criteria: ACMG Guidelines, 2015. Collection method: clinical testing. Allele origin: germline. Affected: yes. Observed: 1 variant allele.

Institute of Human Genetics, University of Leipzig Medical Center
Classification: Pathogenic for Colorectal cancer. Last evaluated: 2019-01-01. Review status: criteria provided, single submitter. Criteria: ACMG Guidelines, 2015. Collection method: clinical testing. Allele origin: unknown. Affected: no.

NM_000038.6(APC):c.1720G>T (p.Glu574Ter)

Gene: APC (APC regulator of Wnt signaling pathway; plus strand). Cytogenetic location: 5q22.2.
Variant type: single nucleotide variant.
Coding change: c.1720G>T on transcript NM_000038.6 (MANE Select); coding-DNA position 1720, G replaced by T.
Protein change: p.Glu574Ter; replaces glutamic acid 574 with a stop codon.
Molecular consequence: nonsense.
Genome position (GRCh38, 1-based): chr5:112,828,949, G>T. VCF-style: chr5-112828949-G-T. GRCh37 (hg19) VCF-style: chr5-112164646-G-T.
Other names: c.1720G>T, p.Glu574Ter (NM_001127510.3, NM_001354895.2); c.1666G>T, p.Glu556Ter (NM_001127511.3); c.1774G>T, p.Glu592Ter (NM_001354896.2); c.1750G>T, p.Glu584Ter (NM_001354897.2); c.1645G>T, p.Glu549Ter (NM_001354898.2); c.1636G>T, p.Glu546Ter (NM_001354899.2); c.1597G>T, p.Glu533Ter (NM_001354900.2); c.1543G>T, p.Glu515Ter (NM_001354901.2); and 5 more; short protein forms E291*, E414*, E448*, E473*, E483*, E515*, E533*, E546*.
Identifiers: ClinVar variation 976253 (VCV000976253.5), dbSNP rs1764024563, ClinGen allele CA16025069.